The following is an entry in ClinVar:

ClinVar aggregate classification (germline): Likely benign (0 of 4 stars; one submission).

Conditions:
CDH23-related disorder. Also called: CDH23-related condition; CDH23-related disorders.

gnomAD v4.1: 181 of 1,598,850 alleles (0.011%); highest among the groups gnomAD compares: African/African-American, 0.23%; 1 homozygote.

Submission:

PreventionGenetics, part of Exact Sciences
Classification: Likely benign for CDH23-related condition. Last evaluated: 2024-09-18. Review status: no assertion criteria provided. Collection method: clinical testing. Allele origin: germline.
Comment: This variant is classified as likely benign based on ACMG/AMP sequence variant interpretation guidelines (Richards et al. 2015 PMID: 25741868, with internal and published modifications).

NM_022124.6(CDH23):c.9381-186G>C

Gene: CDH23 (cadherin related 23; plus strand). Cytogenetic location: 10q22.1.
Variant type: single nucleotide variant.
Coding change: c.9381-186G>C on transcript NM_022124.6 (MANE Select); 186 bases into the intron before coding-DNA position 9381, G replaced by C.
Molecular consequence: intron variant. On other transcripts: missense variant (2), initiator codon variant (2).
Genome position (GRCh38, 1-based): chr10:71,812,294, G>C. VCF-style: chr10-71812294-G-C. GRCh37 (hg19) VCF-style: chr10-73572051-G-C.
Other names: c.3G>C, p.Met1Ile (NM_001171935.1, NM_001171936.1); c.2661-186G>C (NM_001171933.1, NM_001171934.1); short protein forms M1I.
Identifiers: ClinVar variation 3352542 (VCV003352542.1), dbSNP rs182429431.